The following is an entry in ClinVar:

ClinVar aggregate classification (germline): Uncertain significance (1 of 4 stars; one submission).

Submission:

Labcorp Genetics (formerly Invitae), Labcorp
Classification: Uncertain significance. Last evaluated: 2025-09-15. Review status: criteria provided, single submitter. Criteria: Invitae Variant Classification Sherloc (09022015). Collection method: clinical testing. Allele origin: germline.
Comment: This sequence change falls in intron 2 of the GUCA1B gene. It does not directly change the encoded amino acid sequence of the GUCA1B protein. It affects a nucleotide within the consensus splice site. This variant is present in population databases (rs758448026, gnomAD 0.003%). This variant has not been reported in the literature in individuals affected with GUCA1B-related conditions. ClinVar contains an entry for this variant (Variation ID: 1903727). Variants that disrupt the consensus splice site are a relatively common cause of aberrant splicing (PMID: 17576681, 9536098). Algorithms developed to predict the effect of sequence changes on RNA splicing suggest that this variant is not likely to affect RNA splicing. In summary, the available evidence is currently insufficient to determine the role of this variant in disease. Therefore, it has been classified as a Variant of Uncertain Significance.

Literature cited by the submitters: PubMed 17576681; PubMed 9536098.

NM_002098.6(GUCA1B):c.357+3del

Gene: GUCA1B (guanylate cyclase activator 1B; minus strand). Cytogenetic location: 6p21.1.
Variant type: Deletion.
Coding change: c.357+3del on transcript NM_002098.6 (MANE Select); 3 bases into the intron after coding-DNA position 357, one base deleted (T; older notation c.357+3delT).
Molecular consequence: splice donor variant.
Genome position (GRCh38, 1-based): chr6:42,188,579, A deleted on the plus strand (T on the coding strand, the reverse complement: GUCA1B is on the minus strand); the first of 2 consecutive A bases (chr6:42,188,579-42,188,580); deleting either gives the same sequence. VCF-style (leftmost placement, unchanged base first): chr6-42188578-TA-T. GRCh37 (hg19) VCF-style: chr6-42156316-TA-T.
Identifiers: ClinVar variation 1903727 (VCV001903727.5), dbSNP rs758448026, ClinGen allele CA3805589.